The following is an entry in ClinVar:

ClinVar aggregate classification (germline): Uncertain significance (1 of 4 stars; one submission).

gnomAD v4.1: 96 of 1,607,410 alleles (0.006%); highest among the groups gnomAD compares: Non-Finnish European, 0.0073%; no homozygotes.

Submission:

Labcorp Genetics (formerly Invitae), Labcorp
Classification: Uncertain significance. Last evaluated: 2025-03-27. Review status: criteria provided, single submitter. Criteria: Invitae Variant Classification Sherloc (09022015). Collection method: clinical testing. Allele origin: germline.
Comment: This sequence change replaces glycine, which is neutral and non-polar, with arginine, which is basic and polar, at codon 255 of the ZHX3 protein (p.Gly255Arg). This variant is present in population databases (rs758454702, gnomAD 0.004%). This variant has not been reported in the literature in individuals affected with ZHX3-related conditions. An algorithm developed to predict the effect of missense changes on protein structure and function (PolyPhen-2) suggests that this variant is likely to be disruptive. In summary, the available evidence is currently insufficient to determine the role of this variant in disease. Therefore, it has been classified as a Variant of Uncertain Significance.

NM_001384317.1(ZHX3):c.763G>A (p.Gly255Arg)

Gene: ZHX3 (zinc fingers and homeoboxes 3; minus strand). Cytogenetic location: 20q12.
Variant type: single nucleotide variant.
Coding change: c.763G>A on transcript NM_001384317.1 (MANE Select); coding-DNA position 763, G replaced by A.
Protein change: p.Gly255Arg; replaces glycine 255 with arginine.
Molecular consequence: missense variant.
Genome position (GRCh38, 1-based): chr20:41,204,154, C>T on the plus strand (G>A on the coding strand, the complement: ZHX3 is on the minus strand). VCF-style: chr20-41204154-C-T. GRCh37 (hg19) VCF-style: chr20-39832794-C-T.
Other names: c.763G>A, p.Gly255Arg (NM_001384320.1, NM_001384321.1, NM_001384322.1 and 8 more transcripts); short protein forms G255R.
Identifiers: ClinVar variation 3665617 (VCV003665617.2).